The following is an entry in ClinVar:

NM_005994.4(TBX2):c.131C>A (p.Pro44Gln)

Gene: TBX2 (T-box transcription factor 2; plus strand). Cytogenetic location: 17q23.2.
Variant type: single nucleotide variant.
Coding change: c.131C>A on transcript NM_005994.4 (MANE Select); coding-DNA position 131, C replaced by A.
Protein change: p.Pro44Gln; replaces proline 44 with glutamine.
Molecular consequence: missense variant.
Genome position (GRCh38, 1-based): chr17:61,400,307, C>A. VCF-style: chr17-61400307-C-A. GRCh37 (hg19) VCF-style: chr17-59477668-C-A.
Other names: short protein forms P44Q.
Identifiers: ClinVar variation 1804777 (VCV001804777.2), dbSNP rs1390426411, ClinGen allele CA400469875.

ClinVar aggregate classification (germline): Uncertain significance. Review status: criteria provided, multiple submitters, no conflicts (2 of 4 stars). 2 submissions from 2 submitters: Uncertain significance (2). Last evaluated 2023-09-14.

Conditions:
Vertebral anomalies and variable endocrine and T-cell dysfunction. Identifiers: MedGen C4748741, MONDO:0032607, OMIM 618223.

Allele frequency attached by ClinVar (database versions not stated): gnomAD 0.00003; TOPMed 0.00002.

Submissions (2):

Revvity Omics, Revvity
Classification: Uncertain significance for Vertebral anomalies and variable endocrine and T-cell dysfunction. Last evaluated: 2023-09-14. Review status: criteria provided, single submitter. Criteria: ACMG Guidelines, 2015. Collection method: clinical testing. Allele origin: germline.

Women's Health and Genetics/Laboratory Corporation of America, LabCorp
Classification: Uncertain significance. Last evaluated: 2022-11-21. Review status: criteria provided, single submitter. Criteria: LabCorp Variant Classification Summary - May 2015. Collection method: clinical testing. Allele origin: germline.
Comment: Variant summary: TBX2 c.131C>A (p.Pro44Gln) results in a non-conservative amino acid change located in the DNA-binding domain (IPR046360) of the encoded protein sequence. Five of five in-silico tools predict a damaging effect of the variant on protein function. The variant allele was found at a frequency of 2.6e-05 in 153504 control chromosomes (gnomAD, v3.1). The available data on variant occurrences in the general population are insufficient to allow any conclusion about variant significance. To our knowledge, no occurrence of c.131C>A in individuals affected with Vertebral Anomalies and Variable Endocrine and T-Cell Dysfunction and no experimental evidence demonstrating its impact on protein function have been reported. No clinical diagnostic laboratories have submitted clinical-significance assessments for this variant to ClinVar after 2014. Based on the evidence outlined above, the variant was classified as uncertain significance.